The following is an entry in ClinVar:

ClinVar aggregate classification (germline): Uncertain significance (1 of 4 stars; one submission).

Conditions:
Inborn genetic diseases. Identifiers: MedGen C0950123, MeSH D030342.

Allele frequency attached by ClinVar (database versions not stated): gnomAD exomes 0.00008; ExAC 0.00009.
gnomAD v4.1: 49 of 1,613,882 alleles (0.003%); highest among the groups gnomAD compares: East Asian, 0.11%; no homozygotes.

Submission:

Ambry Genetics
Classification: Uncertain significance for Inborn genetic diseases. Last evaluated: 2020-06-30. Review status: criteria provided, single submitter. Criteria: Ambry Variant Classification Scheme 2023. Collection method: clinical testing. Allele origin: germline.
Comment: The p.V959A variant (also known as c.2876T>C), located in coding exon 10 of the WNK1 gene, results from a T to C substitution at nucleotide position 2876. The valine at codon 959 is replaced by alanine, an amino acid with similar properties. This amino acid position is well conserved in available vertebrate species. In addition, this alteration is predicted to be tolerated by in silico analysis. Since supporting evidence is limited at this time, the clinical significance of this alteration remains unclear.

NM_213655.5(WNK1):c.2876T>C (p.Val959Ala)

Gene: WNK1 (WNK lysine deficient protein kinase 1; plus strand). Cytogenetic location: 12p13.33.
Variant type: single nucleotide variant.
Coding change: c.2876T>C on transcript NM_213655.5 (MANE Plus Clinical); coding-DNA position 2876, T replaced by C.
Protein change: p.Val959Ala; replaces valine 959 with alanine.
Molecular consequence: missense variant. On other transcripts: intron variant (2).
Genome position (GRCh38, 1-based): chr12:868,347, T>C. VCF-style: chr12-868347-T-C. GRCh37 (hg19) VCF-style: chr12-977513-T-C.
Other names: c.2621T>C, p.Val874Ala (NM_001184985.2); c.2140-2918T>C (NM_018979.4, NM_014823.3); short protein forms V874A, V959A.
Identifiers: ClinVar variation 1797105 (VCV001797105.2), dbSNP rs765258916, ClinGen allele CA6382256.